The following is an entry in ClinVar:

ClinVar aggregate classification (germline): Uncertain significance (1 of 4 stars; one submission).

Submission:

Labcorp Genetics (formerly Invitae), Labcorp
Classification: Uncertain significance. Last evaluated: 2025-05-22. Review status: criteria provided, single submitter. Criteria: Invitae Variant Classification Sherloc (09022015). Collection method: clinical testing. Allele origin: germline.
Comment: This variant, c.3410_3412del, results in the deletion of 1 amino acid(s) of the AP3D1 protein (p.Asp1137del), but otherwise preserves the integrity of the reading frame. This variant is not present in population databases (gnomAD no frequency). This variant has not been reported in the literature in individuals affected with AP3D1-related conditions. Experimental studies and prediction algorithms are not available or were not evaluated, and the functional significance of this variant is currently unknown. In summary, the available evidence is currently insufficient to determine the role of this variant in disease. Therefore, it has been classified as a Variant of Uncertain Significance.

NM_001261826.3(AP3D1):c.3410_3412del (p.Asp1137del)

Gene: AP3D1 (adaptor related protein complex 3 subunit delta 1; minus strand). Cytogenetic location: 19p13.3.
Variant type: Deletion.
Coding change: c.3410_3412del on transcript NM_001261826.3 (MANE Select); coding-DNA positions 3410 to 3412, 3 bases deleted (ATG; older notation c.3410_3412delATG).
Protein change: p.Asp1137del; deletes aspartic acid 1137.
Genome position (GRCh38, 1-based): chr19:2,109,146-2,109,148, CAT deleted on the plus strand (ATG on the coding strand, the reverse complement: AP3D1 is on the minus strand); deleting any 3 consecutive bases within chr19:2,109,146-2,109,149 gives the same sequence; the c. name uses the placement nearest the transcript's 3' end. VCF-style (leftmost placement, unchanged base first): chr19-2109145-CCAT-C. GRCh37 (hg19) VCF-style: chr19-2109144-CCAT-C.
Other names: c.3374_3376del, p.Asp1125del (NM_001374799.1); c.3224_3226del, p.Asp1075del (NM_003938.8); short protein forms D1125del, D1137del, D1075del.
Identifiers: ClinVar variation 4764639 (VCV004764639.1).